The following is an entry in ClinVar:

NM_000719.7(CACNA1C):c.3839G>T (p.Cys1280Phe)

Gene: CACNA1C (calcium voltage-gated channel subunit alpha1 C; plus strand). Cytogenetic location: 12p13.33.
Variant type: single nucleotide variant.
Coding change: c.3839G>T on transcript NM_000719.7 (MANE Select); coding-DNA position 3839, G replaced by T.
Protein change: p.Cys1280Phe; replaces cysteine 1280 with phenylalanine.
Molecular consequence: missense variant. On other transcripts: intron variant (6).
Genome position (GRCh38, 1-based): chr12:2,634,307, G>T. VCF-style: chr12-2634307-G-T. GRCh37 (hg19) VCF-style: chr12-2743473-G-T.
Other names: c.3983G>T, p.Cys1328Phe (NM_001129827.2, NM_199460.4); c.3839G>T, p.Cys1280Phe (NM_001129829.2, NM_001129830.3, NM_001129834.2 and 8 more transcripts); c.3923G>T, p.Cys1308Phe (NM_001129831.2, NM_001129836.2); c.3899G>T, p.Cys1300Phe (NM_001129832.2); c.3912+595G>T (NM_001167624.3, NM_001167623.2, NM_001129833.2 and 2 more transcripts); c.3903+595G>T (NM_001129844.2); short protein forms C1280F, C1300F, C1308F, C1328F.
Identifiers: ClinVar variation 2067513 (VCV002067513.6), dbSNP rs777680515, ClinGen allele CA231631608.
Genomic context (GRCh38, chr12:2,634,307, plus strand): 5'-TTCTTGTTGGTTCTTCTTCTCTCTCTCCCCGGCTGCTCTGCCCCATGCAGCACTATTTCT[G>T]TGATGCATGGAATACATTTGACGCCTTGATTGTTGTGGGTAGCATTGTTGATATAGCAAT-3'
Protein context (NP_000710.5, residues 1270-1290): LIAFKPKHYF[Cys1280Phe]DAWNTFDALI

ClinVar aggregate classification (germline): Conflicting classifications of pathogenicity. Review status: criteria provided, conflicting classifications (1 of 4 stars). 3 submissions from 3 submitters: Uncertain significance (2); Likely benign (1). Last evaluated 2026-06-12.

Conditions:
Cardiovascular phenotype. Identifiers: MedGen CN230736.
Long QT syndrome (LQTS). Identifiers: MedGen C0023976, MeSH D008133, MONDO:0002442. Disease mechanism: loss of function. Inheritance: Various modes of inheritance.

Allele frequency attached by ClinVar (database versions not stated): gnomAD exomes below 0.00001; gnomAD 0.00001.
gnomAD v4.1: 3 of 1,556,556 alleles (0.00019%); highest among the groups gnomAD compares: Admixed American, 0.0038%; no homozygotes.

Submissions (3):

Ambry Genetics
Classification: Uncertain significance for Cardiovascular phenotype. Last evaluated: 2026-06-12. Review status: criteria provided, single submitter. Criteria: Ambry Variant Classification Scheme 2023. Collection method: clinical testing. Allele origin: germline.
Comment: The p.C1280F variant (also known as c.3839G>T), located in coding exon 30 of the CACNA1C gene, results from a G to T substitution at nucleotide position 3839. The cysteine at codon 1280 is replaced by phenylalanine, an amino acid with highly dissimilar properties. This amino acid position is conserved. In addition, the in silico prediction for this alteration is inconclusive. Based on the available evidence, the clinical significance of this variant remains unclear.

Labcorp Genetics (formerly Invitae), Labcorp
Classification: Uncertain significance for Long QT syndrome. Last evaluated: 2025-03-09. Review status: criteria provided, single submitter. Criteria: Invitae Variant Classification Sherloc (09022015). Collection method: clinical testing. Allele origin: germline.
Comment: This sequence change replaces cysteine, which is neutral and slightly polar, with phenylalanine, which is neutral and non-polar, at codon 1280 of the CACNA1C protein (p.Cys1280Phe). The frequency data for this variant in the population databases is considered unreliable, as metrics indicate poor data quality at this position in the gnomAD database. This variant has not been reported in the literature in individuals affected with CACNA1C-related conditions. ClinVar contains an entry for this variant (Variation ID: 2067513). Invitae Evidence Modeling of protein sequence and biophysical properties (such as structural, functional, and spatial information, amino acid conservation, physicochemical variation, residue mobility, and thermodynamic stability) indicates that this missense variant is not expected to disrupt CACNA1C protein function with a negative predictive value of 95%. In summary, the available evidence is currently insufficient to determine the role of this variant in disease. Therefore, it has been classified as a Variant of Uncertain Significance.

Blueprint Genetics
Classification: Likely benign. Last evaluated: 2020-09-19. Review status: criteria provided, single submitter. Criteria: ACMG Guidelines, 2015. Collection method: clinical testing. Allele origin: germline.